The following is an entry in ClinVar:

ClinVar aggregate classification (germline): Conflicting classifications of pathogenicity. Review status: criteria provided, conflicting classifications (1 of 4 stars). 9 submissions from 8 submitters: Uncertain significance (6); Benign (1); Likely benign (2). Last evaluated 2026-07-01.

Conditions:
Emery-Dreifuss muscular dystrophy 4, autosomal dominant (EDMD4). Also called: EMERY-DREIFUSS MUSCULAR DYSTROPHY 4 WITH VARIABLE FEATURES. Identifiers: Orphanet 261, MedGen C2751807, MONDO:0013071, OMIM 612998.
Autosomal recessive ataxia, Beauce type. Also called: SYNE1 Deficiency; ATAXIA, RECESSIVE, OF BEAUCE; Spinocerebellar ataxia, autosomal recessive 8; SYNE1-Related Autosomal Recessive Cerebellar Ataxia. Identifiers: Orphanet 88644, MedGen C1853116, MONDO:0012549, OMIM 610743.

Allele frequency attached by ClinVar (database versions not stated): ExAC 0.00016; gnomAD 0.00016 and 0.00018; TOPMed 0.00017; gnomAD exomes 0.00020 and 0.00022; ESP Exome Variant Server 0.00031.
gnomAD v4.1: 312 of 1,614,030 alleles (0.019%); highest among the groups gnomAD compares: Non-Finnish European, 0.022%; no homozygotes.

Submissions (9):

CeGaT Center for Human Genetics Tuebingen
Classification: Likely benign. Last evaluated: 2026-07-01. Review status: criteria provided, single submitter. Criteria: CeGaT Center For Human Genetics Tuebingen Variant Classification Criteria Version 2. Collection method: clinical testing. Allele origin: germline. Affected: yes. Observed: 5 variant alleles.
Comment: SYNE1: BP4

Labcorp Genetics (formerly Invitae), Labcorp
Classification: Uncertain significance for Emery-Dreifuss muscular dystrophy 4, autosomal dominant; Autosomal recessive ataxia, Beauce type. Last evaluated: 2025-10-21. Review status: criteria provided, single submitter. Criteria: Invitae Variant Classification Sherloc (09022015). Collection method: clinical testing. Allele origin: germline.
Comment: This sequence change replaces glycine, which is neutral and non-polar, with alanine, which is neutral and non-polar, at codon 5217 of the SYNE1 protein (p.Gly5217Ala). This variant is present in population databases (rs201313856, gnomAD 0.2%). This variant has not been reported in the literature in individuals affected with SYNE1-related conditions. ClinVar contains an entry for this variant (Variation ID: 198947). An algorithm developed to predict the effect of missense changes on protein structure and function outputs the following: PolyPhen-2: "Benign". The alanine amino acid residue is found in multiple mammalian species, which suggests that this missense change does not adversely affect protein function. In summary, the available evidence is currently insufficient to determine the role of this variant in disease. Therefore, it has been classified as a Variant of Uncertain Significance.

Revvity Omics, Revvity
Classification: Uncertain significance. Last evaluated: 2023-10-25. Review status: criteria provided, single submitter. Criteria: ACMG Guidelines, 2015. Collection method: clinical testing. Allele origin: germline.

Athena Diagnostics
Classification: Likely benign. Last evaluated: 2019-10-09. Review status: criteria provided, single submitter. Criteria: Athena Diagnostics Criteria. Collection method: clinical testing. Allele origin: unknown.

Mayo Clinic Laboratories, Mayo Clinic
Classification: Uncertain significance. Last evaluated: 2019-05-26. Review status: criteria provided, single submitter. Criteria: ACMG Guidelines, 2015. Collection method: clinical testing. Allele origin: germline. Observed: 1 variant allele.

Illumina Laboratory Services, Illumina
Classification: Benign for Emery-Dreifuss muscular dystrophy 4, autosomal dominant. Last evaluated: 2018-01-13. Review status: criteria provided, single submitter. Criteria: ICSL Variant Classification Criteria 13 December 2019. Collection method: clinical testing. Allele origin: germline.
Comment: This variant was observed in the ICSL laboratory as part of a predisposition screen in an ostensibly healthy population. It had not been previously curated by ICSL or reported in the Human Gene Mutation Database (HGMD: prior to June 1st, 2018), and was therefore a candidate for classification through an automated scoring system. Utilizing variant allele frequency, disease prevalence and penetrance estimates, and inheritance mode, an automated score was calculated to assess if this variant is too frequent to cause the disease. Based on the score and internal cut-off values, a variant classified as benign is not then subjected to further curation. The score for this variant resulted in a classification of benign for this disease.

Illumina Laboratory Services, Illumina
Classification: Uncertain significance for Autosomal recessive ataxia, Beauce type. Last evaluated: 2018-01-13. Review status: criteria provided, single submitter. Criteria: ICSL Variant Classification Criteria 13 December 2019. Collection method: clinical testing. Allele origin: germline.

ARUP Laboratories, Molecular Genetics and Genomics, ARUP Laboratories
Classification: Uncertain significance. Last evaluated: 2016-05-18. Review status: criteria provided, single submitter. Criteria: ARUP Molecular Germline Variant Investigation Process. Collection method: clinical testing. Allele origin: germline.

Eurofins Ntd Llc (ga)
Classification: Uncertain significance. Last evaluated: 2015-05-06. Review status: criteria provided, single submitter. Criteria: EGL Classification Definitions 2015. Collection method: clinical testing. Allele origin: germline. Observed: 2 variant alleles, 2 heterozygotes.

NM_182961.4(SYNE1):c.15863G>C (p.Gly5288Ala)

Gene: SYNE1 (spectrin repeat containing nuclear envelope protein 1; minus strand). Cytogenetic location: 6q25.2.
Variant type: single nucleotide variant.
Coding change: c.15863G>C on transcript NM_182961.4 (MANE Select); coding-DNA position 15863, G replaced by C.
Protein change: p.Gly5288Ala; replaces glycine 5288 with alanine.
Molecular consequence: missense variant.
Genome position (GRCh38, 1-based): chr6:152,323,532, C>G on the plus strand (G>C on the coding strand, the complement: SYNE1 is on the minus strand). VCF-style: chr6-152323532-C-G. GRCh37 (hg19) VCF-style: chr6-152644667-C-G.
Other names: c.15650G>C, p.Gly5217Ala (NM_033071.5); short protein forms G5217A, G5288A.
Identifiers: ClinVar variation 198947 (VCV000198947.55), dbSNP rs201313856, ClinGen allele CA247873.
Genomic context (GRCh38, chr6:152,323,532, plus strand): 5'-AATTACTTCAGGCACCGATCTTGCATGGCGGTGATTTCCTGCATGAGCGGAGGCTCTTCC[C>G]CAGGGGTTGGGGCGGCTCCATCCTGGAGCATGCTCAGGGTTTGCTGCCGCAGCATGCCCA-3'
Protein context (NP_892006.3, residues 5278-5298): MLQDGAAPTP[Gly5288Ala]EEPPLMQEIT